The following is an entry in ClinVar:

ClinVar aggregate classification (germline): Pathogenic/Likely pathogenic. Review status: criteria provided, multiple submitters, no conflicts (2 of 4 stars). 67 submissions from 62 submitters: Pathogenic (51); Likely pathogenic (2). 14 of the submissions do not count toward it. Last evaluated 2026-10-01.

Conditions:
CHEK2-related disorder.
Melanoma. Identifiers: MedGen C0025202, MeSH D008545, MONDO:0005105, HP:0002861.
Inherited breast cancer and ovarian cancer.
TUMOR PREDISPOSITION SYNDROME 4, BREAST/PROSTATE.
CHEK2-related cancer predisposition (TPDS4). Also called: TUMOR PREDISPOSITION SYNDROME 4; CANCER PREDISPOSITION SYNDROME, CHEK2-RELATED; CHEK2-related cancer susceptibility. Identifiers: Orphanet 524, MedGen C5882668, MONDO:0700271, OMIM 609265.
Bone osteosarcoma. Also called: Osteosarcoma, somatic. Identifiers: Orphanet 668, MedGen C0585442, MONDO:0002629, OMIM 259500.
Familial prostate cancer. Also called: Hereditary Prostate Cancer. Identifiers: MedGen C2931456, MONDO:0700275, OMIM 176807.
Predisposition to cancer.
Familial cancer of breast. Also called: BREAST CANCER, FAMILIAL; hereditary breast carcinoma; Hereditary breast cancer. Identifiers: Orphanet 227535, MedGen C0346153, MONDO:0016419, OMIM 114480. Disease mechanism: loss of function.
Breast and/or ovarian cancer. Identifiers: MedGen CN221562.
Prostate cancer. Also called: Malignant tumor of prostate. Identifiers: Orphanet 1331, MedGen C0376358, MONDO:0008315, HP:0012125.
Hereditary cancer-predisposing syndrome. Also called: Neoplastic Syndromes, Hereditary; Hereditary neoplastic syndrome; Hereditary Cancer Syndrome; Tumor predisposition. Identifiers: Orphanet 140162, MedGen C0027672, MeSH D009386, MONDO:0015356.
Colorectal cancer. Also called: Malignant Colorectal Neoplasm; Colorectal cancer, somatic. Identifiers: MedGen C0346629, MONDO:0005575, OMIM 114500.
Hereditary breast ovarian cancer syndrome. Also called: Breast and ovarian cancer; Hereditary breast and/or ovarian cancer syndrome; Hereditary breast and ovarian cancer syndrome; Hereditary breast and ovarian cancer syndrome (HBOC); Hereditary breast and ovarian cancer; BRCA1- and BRCA2-Associated Hereditary Breast and Ovarian Cancer. Identifiers: Orphanet 145, MedGen C0677776, MeSH D061325, MONDO:0003582. Disease mechanism: loss of function.
Breast and colorectal cancer, susceptibility to. Also called: HBCC, susceptibility to. Identifiers: MedGen CN068920.
Breast-ovarian cancer, familial, susceptibility to, 1 (BROVCA1). Also called: OVARIAN CANCER, SUSCEPTIBILITY TO; BRCA1 Hereditary Breast and Ovarian Cancer. Identifiers: Orphanet 145, MedGen C2676676, MONDO:0011450, OMIM 604370. Disease mechanism: loss of function.
Endometrial carcinoma. Also called: Endometrial carcinoma, somatic. Identifiers: MedGen C0476089, MONDO:0002447, OMIM 608089, HP:0012114.
Breast cancer, susceptibility to. Identifiers: MedGen C3469522. Disease mechanism: gain of function.
Malignant tumor of breast. Also called: Cancer breast; Malignant breast neoplasm. Identifiers: MedGen C0006142, MONDO:0007254. Disease mechanism: loss of function.
Breast carcinoma. Also called: Carcinoma of breast. Identifiers: MedGen C0678222, MONDO:0004989, HP:0003002.

Allele frequency attached by ClinVar (database versions not stated): TOPMed 0.00008; gnomAD 0.00009; gnomAD exomes 0.00009.
gnomAD v4.1: 146 of 1,614,078 alleles (0.009%); highest among the groups gnomAD compares: Non-Finnish European, 0.01%; no homozygotes.

Submissions 1 to 9 of 72:

St. Jude Molecular Pathology, St. Jude Children's Research Hospital
Classification: Pathogenic for Predisposition to cancer. Last evaluated: 2026-10-01. Review status: criteria provided, single submitter. Criteria: St. Jude Assertion Criteria 2020. Collection method: clinical testing. Allele origin: germline.
Comment: The CHEK2 c.444+1G>A intronic change results in a G to A substitution at the +1 position of intron 3 of the CHEK2 gene. This variant is predicted to result in aberrant splicing, resulting in nonsense-mediated decay or an abnormal protein product. This variant is associated with an increased risk of breast cancer in a large case-control study (PMID: 33471991). In summary, this variant me ets criteria to be classified as pathogenic.

CeGaT Center for Human Genetics Tuebingen
Classification: Pathogenic. Last evaluated: 2026-08-01. Review status: criteria provided, single submitter. Criteria: CeGaT Center For Human Genetics Tuebingen Variant Classification Criteria Version 2. Collection method: clinical testing. Allele origin: germline. Affected: yes. Observed: 22 variant alleles.
Comment: CHEK2: PVS1, PS4, PM2:Supporting

Cambridge Genomics Laboratory, East Genomic Laboratory Hub, NHS Genomic Medicine Service
Classification: Pathogenic for Inherited breast cancer and ovarian cancer. Last evaluated: 2026-06-25. Review status: criteria provided, single submitter. Criteria: ACGS Best Practice Guidelines for Variant Classification in Rare Disease 2020. Collection method: clinical testing. Allele origin: germline. Affected: yes.
Comment: PVS1,PS4

PreventionGenetics, part of Exact Sciences
Classification: Pathogenic for CHEK2-related condition. Last evaluated: 2026-03-25. Review status: criteria provided, single submitter. Criteria: ACMG Guidelines, 2015. Collection method: clinical testing. Allele origin: germline.
Comment: The CHEK2 c.444+1G>A variant is predicted to disrupt the GT donor site and interfere with normal splicing. This variant (previously known as IVS2+1G>A) is associated with an increased risk of breast and prostate cancer in Eastern European populations and co-segregates with disease (Dong et al. 2003. PubMed ID: 12533788; Cybulski et al. 2004. PubMed ID: 15492928; Cybulski et al. 2011. PubMed ID: 21876083; Lhota et al. 2016. PubMed ID: 26822949). This variant has also been reported in an individual with thymoma (Yigit et al. 2025. PubMed ID: 41416706). Functional studies showed this variant results in altered splicing and a reduction in CHEK2 protein (Dong et al. 2003. PubMed ID: 12533788). This variant is reported in 0.052% of alleles in individuals of European (Finnish) descent in gnomAD and is interpreted as pathogenic or likely pathogenic in ClinVar (Variation ID: 128075). Variants that disrupt the consensus splice donor site in CHEK2 are expected to be pathogenic. This variant is interpreted as pathogenic.

Institute of Human Genetics, University of Leipzig Medical Center
Classification: Pathogenic for CHEK2-related cancer predisposition. Last evaluated: 2026-03-23. Review status: criteria provided, single submitter. Criteria: ACMG Guidelines, 2015. Collection method: clinical testing. Allele origin: unknown. Inheritance: Autosomal dominant inheritance. Affected: yes.
Comment: Criteria applied: PVS1,PS4,PM5_SUP

Labcorp Genetics (formerly Invitae), Labcorp
Classification: Pathogenic for Familial cancer of breast. Last evaluated: 2026-01-26. Review status: criteria provided, single submitter. Criteria: Invitae Variant Classification Sherloc (09022015). Collection method: clinical testing. Allele origin: germline.
Comment: This sequence change affects a donor splice site in intron 3 of the CHEK2 gene. RNA analysis indicates that disruption of this splice site induces altered splicing and may result in an absent or altered protein product. This variant is present in population databases (rs121908698, gnomAD 0.05%), and has an allele count higher than expected for a pathogenic variant. Disruption of this splice site has been observed in individual(s) with an increased risk (OR=2.3-3.5) for familial breast cancer or an increased risk (OR=2.5) for prostate cancer (PMID: 15492928, 19030985, 24713400; 21876083 12533788). This variant is also known as IVS2+1G>A. ClinVar contains an entry for this variant (Variation ID: 128075). Studies have shown that disruption of this splice site results in activation of a cryptic splice site, and produces a non-functional protein and/or introduces a premature termination codon (PMID: 12533788; internal data). For these reasons, this variant has been classified as Pathogenic.

German Consortium for Hereditary Breast and Ovarian Cancer, University Hospital Cologne
Classification: Pathogenic for Hereditary breast ovarian cancer syndrome. Last evaluated: 2026-01-13. Review status: criteria provided, single submitter. Criteria: ACMG Guidelines, 2015. Collection method: curation. Allele origin: germline.
Comment: This classification follows the ACMG SVI adaptation classification scheme; We chose these criteria: PVS1 (very strong pathogenic): Null variant (nonsense, frameshift, canonical ±1 or 2 splice sites, initiation codon, single or multiexon deletion) in a gene where LOF is a known mechanism of disease, PS4 (strong pathogenic): The prevalence of a variant in affected individuals is significantly increased compared to controls: Dorling (2021, PMID: 33471991): 66/60466 cases and 28/53461 controls: OR = 2.09 (95%CI=1.34-3.24) OR for familial cancer entities: s. Cybulski (2004, PMID: 1549292): BC = 2.3 (p = 0.04) Bąk (2014, PMID: 24713400) BC OR = 3.0 (p = 0.039)

Genetics Laboratory, Great Ormond Street Hospital NHS Foundation Trust, North Thames Genomic Laboratory Hub
Classification: Pathogenic for Inherited breast cancer and ovarian cancer. Last evaluated: 2025-09-24. Review status: criteria provided, single submitter. Criteria: CanVIG CHEK2 Gene Specific V1.2. Collection method: clinical testing. Allele origin: germline. Affected: yes.
Comment: PVS1_very-strong, PS1_supporting, PM5_supporting

Quest Diagnostics Nichols Institute San Juan Capistrano
Classification: Pathogenic. Last evaluated: 2025-08-01. Review status: criteria provided, single submitter. Criteria: Quest Diagnostics criteria. Collection method: clinical testing. Allele origin: unknown.
Comment: The CHEK2 c.444+1G>A variant disrupts a canonical splice-donor site and interferes with normal CHEK2 mRNA splicing. This variant has been reported in the published literature in multiple individuals affected with breast cancer (PMID: 21876083 (2011), 24713400 (2014), 26822949 (2016), 27153395 (2016), 27616075 (2016), 28802053 (2018), 32824581 (2020)) and various other cancers including prostate cancer (PMID: 12533788 (2003)), thyroid cancer (PMID: 25583358 (2015), 28802053 (2018)), colon cancer (PMID: 27616075 (2016)), and ovarian cancer (PMID: 30322717 (2018)). This variant is also reported as a Polish founder mutation (PMID: 21876083 (2011), 24713400 (2014)). The frequency of this variant in the general population (Genome Aggregation Database) is consistent with pathogenicity. Based on the available information, this variant is classified as pathogenic.

NM_007194.4(CHEK2):c.444+1G>A

Gene: CHEK2 (checkpoint kinase 2; minus strand). Cytogenetic location: 22q12.1.
Variant type: single nucleotide variant.
Coding change: c.444+1G>A on transcript NM_007194.4 (MANE Select); the canonical splice donor site of the intron after coding-DNA position 444, G replaced by A.
Molecular consequence: splice donor variant.
Genome position (GRCh38, 1-based): chr22:28,725,242, C>T on the plus strand (G>A on the coding strand, the complement: CHEK2 is on the minus strand). VCF-style: chr22-28725242-C-T. GRCh37 (hg19) VCF-style: chr22-29121230-C-T.
Other names: IVS3+1G>A; IVS2DS, G-A, +1; c.-220+1G>A (NM_001437942.1); c.444+1G>A (NM_001349956.3, NM_145862.3); c.-334+1G>A (NM_001257387.3); c.537+1G>A (NM_001438295.1, NM_001438293.1); c.573+1G>A (NM_001438294.1, NM_001005735.3).
Identifiers: ClinVar variation 128075 (VCV000128075.150), dbSNP rs121908698, ClinGen allele CA288309.